The following is an entry in ClinVar:

NM_001170700.3(DTHD1):c.1372A>C (p.Thr458Pro)

Gene: DTHD1 (death domain containing 1; plus strand). Cytogenetic location: 4p14.
Variant type: single nucleotide variant.
Coding change: c.1372A>C on transcript NM_001170700.3 (MANE Select); coding-DNA position 1372, A replaced by C.
Protein change: p.Thr458Pro; replaces threonine 458 with proline.
Molecular consequence: missense variant. On other transcripts: non-coding transcript variant (2).
Genome position (GRCh38, 1-based): chr4:36,293,679, A>C. VCF-style: chr4-36293679-A-C. GRCh37 (hg19) VCF-style: chr4-36295301-A-C.
Other names: c.502A>C, p.Thr168Pro (NM_001136536.5); c.439A>C, p.Thr147Pro (NM_001378435.1); c.997A>C (NM_001170700.1); short protein forms T458P, T147P, T168P.
Identifiers: ClinVar variation 1395668 (VCV001395668.7), dbSNP rs1304808677, ClinGen allele CA356679650.

ClinVar aggregate classification (germline): Uncertain significance. Review status: criteria provided, multiple submitters, no conflicts (2 of 4 stars). 2 submissions from 2 submitters: Uncertain significance (2). Last evaluated 2025-07-14.

Allele frequency attached by ClinVar (database versions not stated): gnomAD exomes 0.00001; TOPMed 0.00001; gnomAD 0.00002.
gnomAD v4.1: 16 of 1,537,732 alleles (0.001%); highest among the groups gnomAD compares: Non-Finnish European, 0.0014%; no homozygotes.

Submissions (2):

Ambry Genetics
Classification: Uncertain significance. Last evaluated: 2025-07-14. Review status: criteria provided, single submitter. Criteria: Ambry Variant Classification Scheme 2023. Collection method: clinical testing. Allele origin: germline.

Labcorp Genetics (formerly Invitae), Labcorp
Classification: Uncertain significance. Last evaluated: 2024-11-10. Review status: criteria provided, single submitter. Criteria: Invitae Variant Classification Sherloc (09022015). Collection method: clinical testing. Allele origin: germline.
Comment: This sequence change replaces threonine, which is neutral and polar, with proline, which is neutral and non-polar, at codon 168 of the DTHD1 protein (p.Thr168Pro). This variant is present in population databases (no rsID available, gnomAD 0.002%). This variant has not been reported in the literature in individuals affected with DTHD1-related conditions. ClinVar contains an entry for this variant (Variation ID: 1395668). An algorithm developed to predict the effect of missense changes on protein structure and function (PolyPhen-2) suggests that this variant is likely to be tolerated. In summary, the available evidence is currently insufficient to determine the role of this variant in disease. Therefore, it has been classified as a Variant of Uncertain Significance.